The following is an entry in ClinVar:

ClinVar aggregate classification (germline): Uncertain significance (1 of 4 stars; one submission).

Conditions:
Hereditary cancer-predisposing syndrome. Also called: Neoplastic Syndromes, Hereditary; Tumor predisposition; Hereditary Cancer Syndrome; Hereditary neoplastic syndrome. Identifiers: Orphanet 140162, MedGen C0027672, MeSH D009386, MONDO:0015356.

Submission:

Ambry Genetics
Classification: Uncertain significance for Hereditary cancer-predisposing syndrome. Last evaluated: 2024-12-13. Review status: criteria provided, single submitter. Criteria: Ambry Variant Classification Scheme 2023. Collection method: clinical testing. Allele origin: germline.
Comment: The p.A2103S variant (also known as c.6307G>T), located in coding exon 42 of the ATM gene, results from a G to T substitution at nucleotide position 6307. The alanine at codon 2103 is replaced by serine, an amino acid with similar properties. This amino acid position is highly conserved in available vertebrate species. In addition, the in silico prediction for this alteration is inconclusive. Based on the available evidence, the clinical significance of this variant remains unclear.

NM_000051.4(ATM):c.6307G>T (p.Ala2103Ser)

Genes: ATM (ATM serine/threonine kinase; plus strand), C11orf65 (chromosome 11 open reading frame 65; minus strand). Cytogenetic location: 11q22.3.
Variant type: single nucleotide variant.
Coding change: c.6307G>T on transcript NM_000051.4 (MANE Select); coding-DNA position 6307, G replaced by T.
Protein change: p.Ala2103Ser; replaces alanine 2103 with serine.
Molecular consequence: missense variant. On other transcripts: intron variant (2).
Genome position (GRCh38, 1-based): chr11:108,317,481, G>T. VCF-style: chr11-108317481-G-T. GRCh37 (hg19) VCF-style: chr11-108188208-G-T.
Other names: c.6307G>T, p.Ala2103Ser (NM_001351834.2); c.641-8410C>A (NM_001330368.2); c.*39-8410C>A (NM_001351110.2); short protein forms A2103S.
Identifiers: ClinVar variation 3801039 (VCV003801039.1).